The following is an entry in ClinVar:

NM_001271.4(CHD2):c.3902C>T (p.Thr1301Ile)

Gene: CHD2 (chromodomain helicase DNA binding protein 2; plus strand). Cytogenetic location: 15q26.1.
Variant type: single nucleotide variant.
Coding change: c.3902C>T on transcript NM_001271.4 (MANE Select); coding-DNA position 3902, C replaced by T.
Protein change: p.Thr1301Ile; replaces threonine 1301 with isoleucine.
Molecular consequence: missense variant.
Genome position (GRCh38, 1-based): chr15:92,998,515, C>T. VCF-style: chr15-92998515-C-T. GRCh37 (hg19) VCF-style: chr15-93541745-C-T.
Other names: short protein forms T1301I.
Identifiers: ClinVar variation 2633554 (VCV002633554.4), dbSNP rs758222805, ClinGen allele CA7748323.
Genomic context (GRCh38, chr15:92,998,515, plus strand): 5'-GGATGTGGGTGGTGGCGGGTGCTTCTCTTCCTTTCTTGTTGAAGATTCTGCCGGTGGAGA[C>T]AGATAAAAAGCCTCAGGGGAAGCAGCTACAGACCCGAGCGGATTACTTGTTGAAGCTGCT-3'
Protein context (NP_001262.3, residues 1291-1311): KLTDKILPVE[Thr1301Ile]DKKPQGKQLQ

ClinVar aggregate classification (germline): Uncertain significance. Review status: criteria provided, multiple submitters, no conflicts (2 of 4 stars). 2 submissions from 2 submitters: Uncertain significance (2). Last evaluated 2023-12-19.

Conditions:
Developmental and epileptic encephalopathy 94 (DEE94). Also called: CHD2-Related Neurodevelopmental Disorders; Epileptic encephalopathy, childhood-onset. Identifiers: Orphanet 1942, Orphanet 2382, MedGen C3809278, MONDO:0014150, OMIM 615369.
CHD2-related disorder. Also called: CHD2-related condition.

Allele frequency attached by ClinVar (database versions not stated): gnomAD exomes below 0.00001; TOPMed below 0.00001; ExAC 0.00001.
gnomAD v4.1: 3 of 1,613,786 alleles (0.00019%); highest among the groups gnomAD compares: Non-Finnish European, 0.00025%; no homozygotes.

Submissions (2):

Labcorp Genetics (formerly Invitae), Labcorp
Classification: Uncertain significance for Developmental and epileptic encephalopathy 94. Last evaluated: 2023-12-19. Review status: criteria provided, single submitter. Criteria: Invitae Variant Classification Sherloc (09022015). Collection method: clinical testing. Allele origin: germline.
Comment: This sequence change replaces threonine, which is neutral and polar, with isoleucine, which is neutral and non-polar, at codon 1301 of the CHD2 protein (p.Thr1301Ile). This variant is present in population databases (rs758222805, gnomAD 0.0009%). This variant has not been reported in the literature in individuals affected with CHD2-related conditions. ClinVar contains an entry for this variant (Variation ID: 2633554). Advanced modeling of protein sequence and biophysical properties (such as structural, functional, and spatial information, amino acid conservation, physicochemical variation, residue mobility, and thermodynamic stability) performed at Invitae indicates that this missense variant is not expected to disrupt CHD2 protein function with a negative predictive value of 95%. In summary, the available evidence is currently insufficient to determine the role of this variant in disease. Therefore, it has been classified as a Variant of Uncertain Significance.

PreventionGenetics, part of Exact Sciences
Classification: Uncertain significance for CHD2-related condition. Last evaluated: 2023-04-03. Review status: criteria provided, single submitter. Criteria: ACMG Guidelines, 2015. Collection method: clinical testing. Allele origin: germline.
Comment: The CHD2 c.3902C>T variant is predicted to result in the amino acid substitution p.Thr1301Ile. To our knowledge, this variant has not been reported in the literature. This variant is reported in 0.00088% of alleles in individuals of European (Non-Finnish) descent in gnomAD. At this time, the clinical significance of this variant is uncertain due to the absence of conclusive functional and genetic evidence.